The following is an entry in ClinVar:

ClinVar aggregate classification (germline): Uncertain significance (1 of 4 stars; one submission).

Conditions:
Hereditary cancer-predisposing syndrome. Also called: Neoplastic Syndromes, Hereditary; Tumor predisposition; Hereditary neoplastic syndrome; Hereditary Cancer Syndrome. Identifiers: Orphanet 140162, MedGen C0027672, MeSH D009386, MONDO:0015356.

Submission:

Ambry Genetics
Classification: Uncertain significance for Hereditary cancer-predisposing syndrome. Last evaluated: 2023-02-12. Review status: criteria provided, single submitter. Criteria: Ambry Variant Classification Scheme 2023. Collection method: clinical testing. Allele origin: germline.
Comment: The p.L101P variant (also known as c.302T>C), located in coding exon 5 of the BAP1 gene, results from a T to C substitution at nucleotide position 302. The leucine at codon 101 is replaced by proline, an amino acid with similar properties. This amino acid position is highly conserved in available vertebrate species. In addition, this alteration is predicted to be deleterious by in silico analysis. Since supporting evidence is limited at this time, the clinical significance of this alteration remains unclear.

NM_004656.4(BAP1):c.302T>C (p.Leu101Pro)

Gene: BAP1 (BRCA1 associated deubiquitinase 1; minus strand). Cytogenetic location: 3p21.1.
Variant type: single nucleotide variant.
Coding change: c.302T>C on transcript NM_004656.4 (MANE Select); coding-DNA position 302, T replaced by C.
Protein change: p.Leu101Pro; replaces leucine 101 with proline.
Molecular consequence: missense variant.
Genome position (GRCh38, 1-based): chr3:52,408,031, A>G on the plus strand (T>C on the coding strand, the complement: BAP1 is on the minus strand). VCF-style: chr3-52408031-A-G. GRCh37 (hg19) VCF-style: chr3-52442047-A-G.
Other names: c.302T>C, p.Leu101Pro (NM_001410772.1); short protein forms L101P.
Identifiers: ClinVar variation 2450437 (VCV002450437.2), dbSNP rs2471354994, ClinGen allele CA353112356.